The following is an entry in ClinVar:

ClinVar aggregate classification (germline): Conflicting classifications of pathogenicity. Review status: criteria provided, conflicting classifications (1 of 4 stars). 9 submissions from 9 submitters: Uncertain significance (6); Likely benign (3). Last evaluated 2026-01-25.

Conditions:
Cardiovascular phenotype. Identifiers: MedGen CN230736.
RASopathy. Also called: rasopathies; Noonan spectrum disorder. Identifiers: Orphanet 536391, MedGen C5555857, MONDO:0021060.
Noonan syndrome-like disorder with loose anagen hair 1 (NSLH1). Also called: MAZZANTI SYNDROME; TOSTI SYNDROME. Identifiers: Orphanet 2701, MedGen C4478716, MONDO:0054637, OMIM 607721.

Allele frequency attached by ClinVar (database versions not stated): gnomAD 0.00003; TOPMed 0.00004; gnomAD exomes 0.00006 and 0.00010; ExAC 0.00009; 1000 Genomes Project 30x 0.00016; 1000 Genomes Project 0.00020.
gnomAD v4.1: 87 of 1,614,030 alleles (0.0054%); highest among the groups gnomAD compares: Middle Eastern, 0.016%; 1 homozygote.

Submissions (9):

Labcorp Genetics (formerly Invitae), Labcorp
Classification: Uncertain significance for RASopathy. Last evaluated: 2026-01-25. Review status: criteria provided, single submitter. Criteria: Invitae Variant Classification Sherloc (09022015). Collection method: clinical testing. Allele origin: germline.
Comment: This sequence change replaces serine, which is neutral and polar, with phenylalanine, which is neutral and non-polar, at codon 57 of the SHOC2 protein (p.Ser57Phe). This variant is present in population databases (rs536611911, gnomAD 0.01%). This variant has not been reported in the literature in individuals affected with SHOC2-related conditions. ClinVar contains an entry for this variant (Variation ID: 179760). Invitae Evidence Modeling of protein sequence and biophysical properties (such as structural, functional, and spatial information, amino acid conservation, physicochemical variation, residue mobility, and thermodynamic stability) indicates that this missense variant is not expected to disrupt SHOC2 protein function with a negative predictive value of 80%. In summary, the available evidence is currently insufficient to determine the role of this variant in disease. Therefore, it has been classified as a Variant of Uncertain Significance.

Ambry Genetics
Classification: Uncertain significance for Cardiovascular phenotype. Last evaluated: 2025-03-02. Review status: criteria provided, single submitter. Criteria: Ambry Variant Classification Scheme 2023. Collection method: clinical testing. Allele origin: germline.
Comment: The p.S57F variant (also known as c.170C>T), located in coding exon 1 of the SHOC2 gene, results from a C to T substitution at nucleotide position 170. The serine at codon 57 is replaced by phenylalanine, an amino acid with highly dissimilar properties. This amino acid position is conserved. In addition, the in silico prediction for this alteration is inconclusive. Since supporting evidence is limited at this time, the clinical significance of this alteration remains unclear.

Laboratory of Genetics, Children's Clinical University Hospital Latvia
Classification: Likely benign. Last evaluated: 2025-02-16. Review status: criteria provided, single submitter. Criteria: ACMG Guidelines, 2015. Collection method: clinical testing. Allele origin: germline. Affected: yes.

Blueprint Genetics
Classification: Likely benign. Last evaluated: 2023-09-18. Review status: criteria provided, single submitter. Criteria: ACMG Guidelines, 2015. Collection method: clinical testing. Allele origin: germline.

Women's Health and Genetics/Laboratory Corporation of America, LabCorp
Classification: Likely benign. Last evaluated: 2023-05-06. Review status: criteria provided, single submitter. Criteria: LabCorp Variant Classification Summary - May 2015. Collection method: clinical testing. Allele origin: germline.

CeGaT Center for Human Genetics Tuebingen
Classification: Uncertain significance. Last evaluated: 2023-05-01. Review status: criteria provided, single submitter. Criteria: CeGaT Center For Human Genetics Tuebingen Variant Classification Criteria Version 2. Collection method: clinical testing. Allele origin: germline. Affected: yes. Observed: 1 variant allele.

ARUP Laboratories, Molecular Genetics and Genomics, ARUP Laboratories
Classification: Uncertain significance for Noonan syndrome-like disorder with loose anagen hair 1. Last evaluated: 2021-04-26. Review status: criteria provided, single submitter. Criteria: ARUP Molecular Germline Variant Investigation Process 2021. Collection method: clinical testing. Allele origin: germline.
Comment: The SHOC2 c.170C>T; p.Ser57Phe variant (rs536611911), to our knowledge, is not reported in the medical literature or gene specific databases. The variant is listed in the ClinVar database (Variation ID: 179760) and is found in the general population with an overall allele frequency of 0.009% (25/281,848 alleles) in the Genome Aggregation Database. The serine at codon 57 is moderately conserved and computational analyses are uncertain whether this variant is neutral or deleterious (REVEL: 0.427). Due to limited information, the clinical significance of the p.Ser57Phe variant is uncertain at this time.

GeneDx
Classification: Uncertain significance. Last evaluated: 2017-04-21. Review status: criteria provided, single submitter. Criteria: GeneDx Variant Classification (06012015). Collection method: clinical testing. Allele origin: germline. Affected: yes.
Comment: The S57F variant has not been published as a pathogenic variant, nor has it been reported as a benign variant to our knowledge. The variant is observed in 3/16456 (0.01823%) alleles from individuals of South Asian background in the ExAC dataset (Lek et al., 2016). S57F is a non-conservative amino acid substitution, which is likely to impact secondary protein structure as these residues differ in polarity, charge, size and/or other properties. This substitution occurs at a position that is conserved in mammals; however, in silico analysis is inconsistent in its predictions as to whether or not the variant is damaging to the protein structure/function. In summary, based on the currently available information, it is unclear whether this variant is a pathogenic variant or a rare benign variant.

Laboratory for Molecular Medicine, Mass General Brigham Personalized Medicine
Classification: Uncertain significance. Last evaluated: 2014-05-09. Review status: criteria provided, single submitter. Criteria: LMM Criteria. Collection method: clinical testing. Allele origin: germline. Observed: 1 variant allele.
Comment: The Ser57Phe variant in SHOC2 has not been reported in individuals with clinical features of Noonan syndrome or in large population studies. Computational predi ction tools and conservation analyses do not provide strong support for or again st an impact to the protein. In summary, the clinical significance of the Ser57P he variant is uncertain.

NM_007373.4(SHOC2):c.170C>T (p.Ser57Phe)

Gene: SHOC2 (SHOC2 leucine rich repeat scaffold protein; plus strand). Cytogenetic location: 10q25.2.
Variant type: single nucleotide variant.
Coding change: c.170C>T on transcript NM_007373.4 (MANE Select); coding-DNA position 170, C replaced by T.
Protein change: p.Ser57Phe; replaces serine 57 with phenylalanine.
Molecular consequence: missense variant.
Genome position (GRCh38, 1-based): chr10:110,964,528, C>T. VCF-style: chr10-110964528-C-T. GRCh37 (hg19) VCF-style: chr10-112724286-C-T.
Other names: c.170C>T, p.Ser57Phe (NM_001269039.3, NM_001324336.2, NM_001324337.2); short protein forms S57F.
Identifiers: ClinVar variation 179760 (VCV000179760.49), dbSNP rs536611911, ClinGen allele CA185080.